The following is an entry in ClinVar:

ClinVar aggregate classification (germline): Conflicting classifications of pathogenicity. Review status: criteria provided, conflicting classifications (1 of 4 stars). 4 submissions from 4 submitters: Pathogenic (1); Likely pathogenic (1); Uncertain significance (1). 1 of the submissions does not count toward it. Last evaluated 2024-10-23.

Conditions:
GLUD1-related disorders.
Hyperinsulinism-hyperammonemia syndrome (HHF6). Identifiers: Orphanet 35878, MedGen C1847555, MONDO:0011717, OMIM 606762.

Submissions (4):

GeneDx
Classification: Pathogenic. Last evaluated: 2024-10-23. Review status: criteria provided, single submitter. Criteria: GeneDx Variant Classification Process June 2021. Collection method: clinical testing. Allele origin: germline. Affected: yes.
Comment: Reported (with alternate nomenclature G446S) in a proband with hyperinsulinismhyperammonemia with unknown familial segregation (PMID: 9571255); Not observed at significant frequency in large population cohorts (gnomAD); In silico analysis supports that this missense variant has a deleterious effect on protein structure/function; This variant is associated with the following publications: (PMID: 35951311, 36476334, 9571255)

Blueprint Genetics
Classification: Likely pathogenic for GLUD1-related disorders. Last evaluated: 2023-03-09. Review status: criteria provided, single submitter. Criteria: ACMG Guidelines, 2015. Collection method: clinical testing. Allele origin: germline. Affected: yes. Observed: 1 variant allele.

Labcorp Genetics (formerly Invitae), Labcorp
Classification: Uncertain significance for Hyperinsulinism-hyperammonemia syndrome. Last evaluated: 2019-09-03. Review status: criteria provided, single submitter. Criteria: Invitae Variant Classification Sherloc (09022015). Collection method: clinical testing. Allele origin: germline.
Comment: In summary, the available evidence is currently insufficient to determine the role of this variant in disease. Therefore, it has been classified as a Variant of Uncertain Significance. This variant disrupts the p.Gly499 amino acid residue in GLUD1. Other variant(s) that disrupt this residue have been observed in individuals with GLUD1-related conditions (PMID:10871207, 18928469, 9571255, 30352420, 19046187), which suggests that this may be a clinically significant amino acid residue. Algorithms developed to predict the effect of missense changes on protein structure and function are either unavailable or do not agree on the potential impact of this missense change (SIFT: Not Available; PolyPhen-2: "Benign"; Align-GVGD: Not Available). This variant has been observed in an individual affected with HI/HA (PMID: 9571255, Invitae). ClinVar contains an entry for this variant (Variation ID: 16124). This variant is not present in population databases (ExAC no frequency). This sequence change replaces glycine with serine at codon 499 of the GLUD1 protein (p.Gly499Ser). The glycine residue is moderately conserved and there is a small physicochemical difference between glycine and serine.

OMIM
Classification: Pathogenic for HYPERINSULINEMIC HYPOGLYCEMIA, FAMILIAL, 6. Last evaluated: 1998-05-07. Review status: no assertion criteria provided. Collection method: literature only. Allele origin: germline. Not counted in ClinVar's aggregate classification.

Literature cited by the submitters: PubMed 10871207 (cited by Labcorp Genetics (formerly Invitae), Labcorp); PubMed 18928469 (cited by Labcorp Genetics (formerly Invitae), Labcorp); PubMed 9571255 (cited by Labcorp Genetics (formerly Invitae), Labcorp and OMIM); PubMed 30352420 (cited by Labcorp Genetics (formerly Invitae), Labcorp); PubMed 19046187 (cited by Labcorp Genetics (formerly Invitae), Labcorp).

NM_005271.5(GLUD1):c.1495G>A (p.Gly499Ser)

Gene: GLUD1 (glutamate dehydrogenase 1; minus strand). Cytogenetic location: 10q23.2.
Variant type: single nucleotide variant.
Coding change: c.1495G>A on transcript NM_005271.5 (MANE Select); coding-DNA position 1495, G replaced by A.
Protein change: p.Gly499Ser; replaces glycine 499 with serine.
Molecular consequence: missense variant.
Genome position (GRCh38, 1-based): chr10:87,053,404, C>T on the plus strand (G>A on the coding strand, the complement: GLUD1 is on the minus strand). VCF-style: chr10-87053404-C-T. GRCh37 (hg19) VCF-style: chr10-88813161-C-T.
Other names: G446S; c.1495G>A (NM_005271.3); c.1096G>A, p.Gly366Ser (NM_001318900.1); c.994G>A, p.Gly332Ser (NM_001318901.1, NM_001318902.1, NM_001318904.2 and 2 more transcripts); short protein forms G499S, G366S, G332S.
Identifiers: ClinVar variation 16124 (VCV000016124.11), dbSNP rs121909733, ClinGen allele CA257426.
Genomic context (GRCh38, chr10:87,053,404, plus strand): 5'-TGGCAGAACGCTCCATTGTGTATGCCAAGCCAGAGTGCACGATGTCTTTCTCAGATGCAC[C>T]CTATTAGGGAAAAGAACACAAGTTTAACAAAACCACAAAGACCTGCTTTGTGTCCCTGTA-3'
Protein context (NP_005262.1, residues 489-509): PTAEFQDRIS[Gly499Ser]ASEKDIVHSG